The following is an entry in ClinVar:

NM_206933.4(USH2A):c.7194C>T (p.Leu2398=)

Gene: USH2A (usherin; minus strand). Cytogenetic location: 1q41.
Variant type: single nucleotide variant.
Coding change: c.7194C>T on transcript NM_206933.4 (MANE Select); coding-DNA position 7194, C replaced by T.
Protein change: p.Leu2398=; no amino-acid change (leucine 2398 retained).
Molecular consequence: synonymous variant.
Genome position (GRCh38, 1-based): chr1:215,934,722, G>A on the plus strand (C>T on the coding strand, the complement: USH2A is on the minus strand). VCF-style: chr1-215934722-G-A. GRCh37 (hg19) VCF-style: chr1-216108064-G-A.
Identifiers: ClinVar variation 666777 (VCV000666777.11), dbSNP rs1269441158, ClinGen allele CA423317565.

ClinVar aggregate classification (germline): Likely benign. Review status: criteria provided, multiple submitters, no conflicts (2 of 4 stars). 5 submissions from 4 submitters: Likely benign (5). Last evaluated 2023-11-04.

Conditions:
Retinitis pigmentosa 39 (RP39). Identifiers: Orphanet 791, MedGen C3151138, MONDO:0013436, OMIM 613809.
Usher syndrome type 2A. Also called: USHER SYNDROME, TYPE IIA; RETINAL DISEASE IN USHER SYNDROME TYPE IIA, MODIFIER OF. Identifiers: Orphanet 231178, Orphanet 886, MedGen C1848634, MONDO:0010169, OMIM 276901.

Allele frequency attached by ClinVar (database versions not stated): gnomAD exomes below 0.00001 and 0.00002.
gnomAD v4.1: 29 of 1,612,868 alleles (0.0018%); highest among the groups gnomAD compares: Non-Finnish European, 0.0025%; no homozygotes.

Submissions (5):

Genome-Nilou Lab
Classification: Likely benign for Retinitis pigmentosa 39. Last evaluated: 2023-11-04. Review status: criteria provided, single submitter. Criteria: ACMG Guidelines, 2015. Collection method: clinical testing. Allele origin: germline. Affected: no.

Genome-Nilou Lab
Classification: Likely benign for Usher syndrome type 2A. Last evaluated: 2023-11-04. Review status: criteria provided, single submitter. Criteria: ACMG Guidelines, 2015. Collection method: clinical testing. Allele origin: germline. Affected: no.

Labcorp Genetics (formerly Invitae), Labcorp
Classification: Likely benign. Last evaluated: 2023-06-27. Review status: criteria provided, single submitter. Criteria: Invitae Variant Classification Sherloc (09022015). Collection method: clinical testing. Allele origin: germline.

Laboratory for Molecular Medicine, Mass General Brigham Personalized Medicine
Classification: Likely benign. Last evaluated: 2019-02-27. Review status: criteria provided, single submitter. Criteria: LMM Criteria. Collection method: clinical testing. Allele origin: germline. Observed: 2 variant alleles.
Comment: The p.Leu2398Leu variant in USH2A is classified as likely benign because it does not alter an amino acid residue, it is not located within the splice consensus sequence, and splice prediction algorithms do not predict a newly created splice site. ACMG/AMP Criteria applied: BP4, BP7.

Blueprint Genetics
Classification: Likely benign. Last evaluated: 2018-03-07. Review status: criteria provided, single submitter. Criteria: ACMG Guidelines, 2015. Collection method: clinical testing. Allele origin: germline.